The following is an entry in ClinVar:

NM_001448.3(GPC4):c.1252G>A (p.Gly418Ser)

Gene: GPC4 (glypican 4; minus strand). Cytogenetic location: Xq26.2.
Variant type: single nucleotide variant.
Coding change: c.1252G>A on transcript NM_001448.3 (MANE Select); coding-DNA position 1252, G replaced by A.
Protein change: p.Gly418Ser; replaces glycine 418 with serine.
Molecular consequence: missense variant.
Genome position (GRCh38, 1-based): chrX:133,304,765, C>T on the plus strand (G>A on the coding strand, the complement: GPC4 is on the minus strand). VCF-style: chrX-133304765-C-T. GRCh37 (hg19) VCF-style: chrX-132438793-C-T.
Other names: short protein forms G418S.
Identifiers: ClinVar variation 4527780 (VCV004527780.1).

ClinVar aggregate classification (germline): Uncertain significance (1 of 4 stars; one submission).

Submission:

GeneDx
Classification: Uncertain significance. Last evaluated: 2025-05-01. Review status: criteria provided, single submitter. Criteria: GeneDx Variant Classification Process June 2021. Collection method: clinical testing. Allele origin: germline. Affected: yes.
Comment: Not observed at significant frequency in large population cohorts (gnomAD); In silico analysis suggests that this missense variant does not alter protein structure/function; Has not been previously published as pathogenic or benign to our knowledge